The following is an entry in ClinVar:

NM_006231.4(POLE):c.819A>G (p.Ala273=)

Gene: POLE (DNA polymerase epsilon, catalytic subunit; minus strand). Cytogenetic location: 12q24.33.
Variant type: single nucleotide variant.
Coding change: c.819A>G on transcript NM_006231.4 (MANE Select); coding-DNA position 819, A replaced by G.
Protein change: p.Ala273=; no amino-acid change (alanine 273 retained).
Molecular consequence: synonymous variant.
Genome position (GRCh38, 1-based): chr12:132,676,636, T>C on the plus strand (A>G on the coding strand, the complement: POLE is on the minus strand). VCF-style: chr12-132676636-T-C. GRCh37 (hg19) VCF-style: chr12-133253222-T-C.
Identifiers: ClinVar variation 484441 (VCV000484441.57), dbSNP rs1185171180, ClinGen allele CA482723691.

ClinVar aggregate classification (germline): Benign/Likely benign. Review status: criteria provided, multiple submitters, no conflicts (2 of 4 stars). 6 submissions from 6 submitters: Benign (1); Likely benign (5). Last evaluated 2026-01-06.

Conditions:
Hereditary cancer-predisposing syndrome. Also called: Hereditary neoplastic syndrome; Tumor predisposition; Neoplastic Syndromes, Hereditary; Hereditary Cancer Syndrome. Identifiers: Orphanet 140162, MedGen C0027672, MeSH D009386, MONDO:0015356.
Colorectal cancer, susceptibility to, 12 (CRCS12). Also called: COLORECTAL CANCER, SUSCEPTIBILITY TO, ON CHROMOSOME 12q24. Identifiers: Orphanet 220460, MedGen C3554460, MONDO:0014038, OMIM 615083.

Allele frequency attached by ClinVar (database versions not stated): gnomAD exomes below 0.00001; TOPMed below 0.00001.
gnomAD v4.1: 2 of 1,612,934 alleles (0.00012%); highest among the groups gnomAD compares: Non-Finnish European, 0.000085%; no homozygotes.

Submissions (6):

Labcorp Genetics (formerly Invitae), Labcorp
Classification: Likely benign. Last evaluated: 2026-01-06. Review status: criteria provided, single submitter. Criteria: Invitae Variant Classification Sherloc (09022015). Collection method: clinical testing. Allele origin: germline.

Center for Genomic Medicine, Rigshospitalet, Copenhagen University Hospital
Classification: Likely benign. Last evaluated: 2025-12-29. Review status: criteria provided, single submitter. Criteria: ACMG Guidelines, 2015. Collection method: clinical testing. Allele origin: germline.

Myriad Genetics, Inc.
Classification: Benign for Colorectal cancer, susceptibility to, 12. Last evaluated: 2025-02-07. Review status: criteria provided, single submitter. Criteria: Myriad Autosomal Dominant, Autosomal Recessive and X-Linked Classification Criteria (2023). Collection method: clinical testing. Allele origin: unknown.
Comment: This variant is considered benign. This variant is a silent/synonymous amino acid change and it is not expected to impact splicing.

Sema4
Classification: Likely benign for Hereditary cancer-predisposing syndrome. Last evaluated: 2021-05-12. Review status: criteria provided, single submitter. Criteria: Sema4 Curation Guidelines. Collection method: curation. Allele origin: germline.

CeGaT Center for Human Genetics Tuebingen
Classification: Likely benign. Last evaluated: 2019-04-01. Review status: criteria provided, single submitter. Criteria: CeGaT Center For Human Genetics Tuebingen Variant Classification Criteria Version 2. Collection method: clinical testing. Allele origin: germline. Affected: yes. Observed: 1 variant allele.

Ambry Genetics
Classification: Likely benign for Hereditary cancer-predisposing syndrome. Last evaluated: 2017-05-31. Review status: criteria provided, single submitter. Criteria: Ambry Variant Classification Scheme 2023. Collection method: clinical testing. Allele origin: germline.